The following is an entry in ClinVar:

ClinVar aggregate classification (germline): Uncertain significance (1 of 4 stars; one submission).

Allele frequency attached by ClinVar (database versions not stated): ESP Exome Variant Server 0.00008; 1000 Genomes Project 30x 0.00016; ExAC 0.00005; gnomAD 0.00006; TOPMed 0.00006; 1000 Genomes Project 0.00020.
gnomAD v4.1: 213 of 1,614,108 alleles (0.013%); highest among the groups gnomAD compares: Non-Finnish European, 0.017%; no homozygotes.

Submission:

Labcorp Genetics (formerly Invitae), Labcorp
Classification: Uncertain significance. Last evaluated: 2024-09-26. Review status: criteria provided, single submitter. Criteria: Invitae Variant Classification Sherloc (09022015). Collection method: clinical testing. Allele origin: germline.
Comment: This sequence change replaces proline, which is neutral and non-polar, with leucine, which is neutral and non-polar, at codon 101 of the GDF5 protein (p.Pro101Leu). This variant is present in population databases (rs150002208, gnomAD 0.009%). This variant has not been reported in the literature in individuals affected with GDF5-related conditions. ClinVar contains an entry for this variant (Variation ID: 2066219). An algorithm developed to predict the effect of missense changes on protein structure and function outputs the following: PolyPhen-2: "Benign". The leucine amino acid residue is found in multiple mammalian species, which suggests that this missense change does not adversely affect protein function. In summary, the available evidence is currently insufficient to determine the role of this variant in disease. Therefore, it has been classified as a Variant of Uncertain Significance.

NM_000557.5(GDF5):c.302C>T (p.Pro101Leu)

Gene: GDF5 (growth differentiation factor 5; minus strand). Cytogenetic location: 20q11.22.
Variant type: single nucleotide variant.
Coding change: c.302C>T on transcript NM_000557.5 (MANE Select); coding-DNA position 302, C replaced by T.
Protein change: p.Pro101Leu; replaces proline 101 with leucine.
Molecular consequence: missense variant.
Genome position (GRCh38, 1-based): chr20:35,437,627, G>A on the plus strand (C>T on the coding strand, the complement: GDF5 is on the minus strand). VCF-style: chr20-35437627-G-A. GRCh37 (hg19) VCF-style: chr20-34025407-G-A.
Other names: c.302C>T, p.Pro101Leu (NM_001319138.2); short protein forms P101L.
Identifiers: ClinVar variation 2066219 (VCV002066219.3), dbSNP rs150002208, ClinGen allele CA9832377.
Genomic context (GRCh38, chr20:35,437,627, plus strand): 5'-GTCCGGGCTGTAGCCTGCCTTGTTTGGGGAGGGTGTCCTGGCTTGGGTTCAGGGCCGCCC[G>A]GTCTGGGGGGCAGCTTTTTGGGTTCATCCTTCTTGGGCTGTGTCAGGCCTCCTGTCTGCC-3'
Protein context (NP_000548.2, residues 91-111): KDEPKKLPPR[Pro101Leu]GGPEPKPGHP